The following is an entry in ClinVar:

ClinVar aggregate classification (germline): Likely benign (0 of 4 stars; one submission).

Conditions:
PIK3C2B-related disorder. Also called: PIK3C2B-related condition.

Submission:

PreventionGenetics, part of Exact Sciences
Classification: Likely benign for PIK3C2B-related condition. Last evaluated: 2019-03-04. Review status: no assertion criteria provided. Collection method: clinical testing. Allele origin: germline.
Comment: This variant is classified as likely benign based on ACMG/AMP sequence variant interpretation guidelines (Richards et al. 2015 PMID: 25741868, with internal and published modifications).

NM_001377334.1(PIK3C2B):c.3843+6_3843+8del

Gene: PIK3C2B (phosphatidylinositol-4-phosphate 3-kinase catalytic subunit type 2 beta; minus strand). Cytogenetic location: 1q32.1.
Variant type: Microsatellite.
Coding change: c.3843+6_3843+8del on transcript NM_001377334.1 (MANE Select); bases 6 to 8 of the intron after coding-DNA position 3843, 3 bases deleted (GAG; older notation c.3843+6_3843+8delGAG).
Molecular consequence: intron variant.
Genome position (GRCh38, 1-based): chr1:204,433,785-204,433,787, CTC deleted on the plus strand (GAG on the coding strand, the reverse complement: PIK3C2B is on the minus strand); deleting any 3 consecutive bases within chr1:204,433,785-204,433,790 gives the same sequence; the c. name uses the placement nearest the transcript's 3' end. VCF-style (leftmost placement, unchanged base first): chr1-204433784-GCTC-G. GRCh37 (hg19) VCF-style: chr1-204402912-GCTC-G.
Other names: c.3759+6_3759+8del (NM_001377335.1); c.3843+6_3843+8del (NM_002646.4).
Identifiers: ClinVar variation 3060088 (VCV003060088.2), dbSNP rs554566415, ClinGen allele CA1347328.